The following is an entry in ClinVar:

NM_001048174.2(MUTYH):c.492+1del

Gene: MUTYH (mutY DNA glycosylase; minus strand). Cytogenetic location: 1p34.1.
Variant type: Deletion.
Coding change: c.492+1del on transcript NM_001048174.2 (MANE Select); the canonical splice donor site of the intron after coding-DNA position 492, one base deleted (G; older notation c.492+1delG).
Molecular consequence: splice donor variant.
Genome position (GRCh38, 1-based): chr1:45,332,762, C deleted on the plus strand (G on the coding strand, the reverse complement: MUTYH is on the minus strand); the first of 2 consecutive C bases (chr1:45,332,762-45,332,763); deleting either gives the same sequence. VCF-style (leftmost placement, unchanged base first): chr1-45332761-AC-A. GRCh37 (hg19) VCF-style: chr1-45798433-AC-A.
Other names: c.576+1delG (NM_001128425.1); c.492+1del (NM_001407072.1, NM_001407073.1, NM_001048171.2 and 6 more transcripts); c.147+1del (NM_001350651.2, NM_001350650.2, NM_001407082.1); c.216+1del (NM_001293192.2, NM_001293196.2, NM_001407091.1); c.537+1del (NM_001293190.2); c.525+1del (NM_001407069.1, NM_001407077.1, NM_001293191.2); c.567+1del (NM_012222.3); c.576+1del (NM_001128425.2); and 6 more.
Identifiers: ClinVar variation 483905 (VCV000483905.5), dbSNP rs1553128712, ClinGen allele CA658656928.
Genomic context (GRCh38, chr1:45,332,761, plus strand): 5'-AAGACTCAAGATTATAAGACACCCAAGACTCCTGGGTTCCTACCCTCCTGCCATCCCCTT[AC>A]CTTCCGAGCTCCCTCCTGCAGCCGCCGGCCACGAGAATAGTAGCCCAGGCCAGCCCAGAG-3'

ClinVar aggregate classification (germline): Likely pathogenic (1 of 4 stars; one submission).

Conditions:
Hereditary cancer-predisposing syndrome. Also called: Neoplastic Syndromes, Hereditary; Tumor predisposition; Hereditary Cancer Syndrome; Hereditary neoplastic syndrome. Identifiers: Orphanet 140162, MedGen C0027672, MeSH D009386, MONDO:0015356.

Submission:

Ambry Genetics
Classification: Likely pathogenic for Hereditary cancer-predisposing syndrome. Last evaluated: 2016-03-30. Review status: criteria provided, single submitter. Criteria: Ambry Variant Classification Scheme 2023. Collection method: clinical testing. Allele origin: germline.
Comment: The c.576+1delG intronic variant, located in intron 7 of the MUTYH gene, results from a deletion of one nucleotide within intron 7 of the MUTYH gene. This variant was not reported in population based cohorts in the following databases: Database of Single Nucleotide Polymorphisms (dbSNP), NHLBI Exome Sequencing Project (ESP), and 1000 Genomes Project. In the ESP, this variant was not observed in 6503 samples (13006 alleles) with coverage at this position. To date, this alteration has been detected with an allele frequency of approximately 0.001% (greater than 140000 alleles tested) in our clinical cohort. This nucleotide position is highly conserved in available vertebrate species. Using two different splice site prediction tools, this alteration is predicted by BDGP to abolish the native splice donor site, but is predicted to weaken (but not abolish) the efficiency of the native splice donor site by ESEfinder; however, direct evidence is unavailable. Alterations that disrupt the canonical splice donor site are typically deleterious in nature (ACMG Recommendations for Standards for Interpretation and Reporting of Sequence Variations. Revision 2007. Genet Med. 2008;10:294). As such, this variant is classified as likely pathogenic.